The following is an entry in ClinVar:

NM_002693.2(POLG):c.125_139dup

Genes: POLG (DNA polymerase gamma, catalytic subunit; minus strand), POLGARF (POLG alternative reading frame; minus strand). Cytogenetic location: 15q26.1.
Variant type: Duplication.
Coding change: c.125_139dup on transcript NM_002693.2; coding-DNA positions 125 to 139, 15 bases duplicated (GGCAGCAGCAGCAGC).
Molecular consequence: inframe insertion (on NM_002693.3).
Genome position (GRCh38, 1-based): chr15:89,333,616-89,333,630, GCTGCTGCTGCTGCC duplicated on the plus strand (GGCAGCAGCAGCAGC on the coding strand, the reverse complement: POLG is on the minus strand); duplicating any 15 consecutive bases within chr15:89,333,616-89,333,632 gives the same sequence; the c. name uses the placement nearest the transcript's 3' end. VCF-style (leftmost placement, unchanged base first): chr15-89333615-T-TGCTGCTGCTGCTGCC. GRCh37 (hg19) VCF-style: chr15-89876846-T-TGCTGCTGCTGCTGCC.
Other names: c.125_139dupGGCAGCAGCAGCAGC (NM_002693.2); c.125_139dup, p.Arg42_Gln46dup (NM_001126131.2, NM_002693.3).
Identifiers: ClinVar variation 421770 (VCV000421770.10), dbSNP rs780010436, ClinGen allele CA10602183.

ClinVar aggregate classification (germline): Conflicting classifications of pathogenicity. Review status: criteria provided, conflicting classifications (1 of 4 stars). 6 submissions from 6 submitters: Uncertain significance (5); Likely benign (1). Last evaluated 2026-01-25.

Conditions:
Inborn genetic diseases. Identifiers: MedGen C0950123, MeSH D030342.
POLG-related disorder. Also called: POLG-Related Spectrum Disorders; POLG-related condition; POLG-Related Disorders. Identifiers: MedGen C4763519.
Progressive sclerosing poliodystrophy (MTDPS4A). Also called: NEURONAL DEGENERATION OF CHILDHOOD WITH LIVER DISEASE, PROGRESSIVE; Mitochondrial DNA depletion syndrome 4A (Alpers type); ALPERS PROGRESSIVE INFANTILE POLIODYSTROPHY; Mitochondrial DNA Depletion Syndrome 4A; Alpers-Huttenlocher Syndrome (AHS); Alpers Syndrome. Identifiers: Orphanet 726, MedGen C0205710, MONDO:0008758, OMIM 203700.

Submissions (6):

Labcorp Genetics (formerly Invitae), Labcorp
Classification: Uncertain significance for Progressive sclerosing poliodystrophy. Last evaluated: 2026-01-25. Review status: criteria provided, single submitter. Criteria: Invitae Variant Classification Sherloc (09022015). Collection method: clinical testing. Allele origin: germline.
Comment: This variant, c.125_139dup, results in the insertion of 5 amino acid(s) of the POLG protein (p.Arg42_Gln46dup), but otherwise preserves the integrity of the reading frame. The frequency data for this variant in the population databases is considered unreliable, as metrics indicate poor data quality at this position in the gnomAD database. This variant has not been reported in the literature in individuals affected with POLG-related conditions. ClinVar contains an entry for this variant (Variation ID: 421770). Experimental studies and prediction algorithms are not available or were not evaluated, and the functional significance of this variant is currently unknown. In summary, the available evidence is currently insufficient to determine the role of this variant in disease. Therefore, it has been classified as a Variant of Uncertain Significance.

PreventionGenetics, part of Exact Sciences
Classification: Uncertain significance for POLG-related condition. Last evaluated: 2025-04-23. Review status: criteria provided, single submitter. Criteria: ACMG Guidelines, 2015. Collection method: clinical testing. Allele origin: germline.
Comment: The POLG c.125_139dup15 variant is predicted to result in an in-frame duplication (p.Arg42_Gln46dup). To our knowledge, this variant has not been reported in the literature. This variant is located in the glutamine (Gln) repeat region of exon 2 and to our knowledge, repeat variations in this region have not been reported to be conclusively related to human diseases in the literature. This variant is reported in 0.0050% of alleles in individuals of European (Non-Finnish) descent in gnomAD. At this time, the clinical significance of this variant is uncertain due to the absence of conclusive functional and genetic evidence.

Ambry Genetics
Classification: Uncertain significance for Inborn genetic diseases. Last evaluated: 2022-06-13. Review status: criteria provided, single submitter. Criteria: Ambry Variant Classification Scheme 2023. Collection method: clinical testing. Allele origin: germline.
Comment: The c.125_139dupGGCAGCAGCAGCAGC (p.R42_Q46dup) alteration is located in exon 2 (coding exon 1) of the POLG gene. The alteration consists of an in-frame duplication of 15 nucleotides from position 125 to 139, resulting in the duplication of 5 residues. Based on insufficient or conflicting evidence, the clinical significance of this alteration remains unclear.

Athena Diagnostics
Classification: Uncertain significance. Last evaluated: 2021-08-30. Review status: criteria provided, single submitter. Criteria: Athena Diagnostics Criteria. Collection method: clinical testing. Allele origin: unknown.

Wong Mito Lab, Molecular and Human Genetics, Baylor College of Medicine
Classification: Uncertain significance for Progressive sclerosing poliodystrophy. Last evaluated: 2018-10-01. Review status: criteria provided, single submitter. Criteria: ACMG Guidelines, 2015. Collection method: clinical testing. Allele origin: germline.
Comment: The NM_002693.2:c.125_139dup (NP_002684.1:p.Gln46_Gln47insArgGlnGlnGlnGln) [GRCH38: NC_000015.10:g.89333618_89333632dup] variant in POLG gene is interpretated to be a Uncertain Significance based on ACMG guidelines (PMID: 25741868). This variant meets the following evidence codes reported in the ACMG-guideline. PM2:This variant is absent in key population databases. BP3:This variant results in inframe indel in repeats without known function. Based on the evidence criteria codes applied, the variant is suggested to be Uncertain Significance.

GeneDx
Classification: Likely benign. Last evaluated: 2017-02-13. Review status: criteria provided, single submitter. Criteria: GeneDx Variant Classification (06012015). Collection method: clinical testing. Allele origin: germline. Affected: yes.
Comment: This variant is considered likely benign or benign based on one or more of the following criteria: it is a conservative change, it occurs at a poorly conserved position in the protein, it is predicted to be benign by multiple in silico algorithms, and/or has population frequency not consistent with disease.